The following is an entry in ClinVar:

ClinVar aggregate classification (germline): Uncertain significance. Review status: criteria provided, single submitter (1 of 4 stars). 2 submissions from 2 submitters: Uncertain significance (1). 1 of the submissions does not count toward it. Last evaluated 2019-10-16.

Conditions:
Microcephaly 17, primary, autosomal recessive (MCPH17). Identifiers: Orphanet 2512, MedGen C4310723, MONDO:0014908, OMIM 617090.

Allele frequency attached by ClinVar (database versions not stated): gnomAD exomes below 0.00001.
gnomAD v4.1: 2 of 1,613,044 alleles (0.00012%); highest among the groups gnomAD compares: Middle Eastern, 0.017%; no homozygotes.

Submissions (2):

GeneDx
Classification: Uncertain significance. Last evaluated: 2019-10-16. Review status: criteria provided, single submitter. Criteria: GeneDx Variant Classification Process June 2021. Collection method: clinical testing. Allele origin: germline. Affected: yes.
Comment: Not observed in large population cohorts (Lek et al., 2016); Has not been previously published as pathogenic or benign to our knowledge; In-silico analysis, which includes splice predictors and evolutionary conservation, is inconclusive as to whether the variant alters gene splicing. In the absence of RNA/functional studies, the actual effect of this sequence change is unknown.

Biochemical Molecular Genetic Laboratory, King Abdulaziz Medical City
Classification: Uncertain significance for Microcephaly 17, primary, autosomal recessive. Last evaluated: 2018-05-09. Review status: no assertion criteria provided. Collection method: clinical testing. Allele origin: germline. Affected: yes. Not counted in ClinVar's aggregate classification.

NM_001206999.2(CIT):c.3350+5G>A

Gene: CIT (citron rho-interacting serine/threonine kinase; minus strand). Cytogenetic location: 12q24.23.
Variant type: single nucleotide variant.
Coding change: c.3350+5G>A on transcript NM_001206999.2 (MANE Select); 5 bases into the intron after coding-DNA position 3350, G replaced by A.
Molecular consequence: intron variant.
Genome position (GRCh38, 1-based): chr12:119,734,159, C>T on the plus strand (G>A on the coding strand, the complement: CIT is on the minus strand). VCF-style: chr12-119734159-C-T. GRCh37 (hg19) VCF-style: chr12-120171964-C-T.
Other names: c.3224+5G>A (NM_007174.3).
Identifiers: ClinVar variation 592098 (VCV000592098.3), dbSNP rs1565958864, ClinGen allele CA891862958.